The following is an entry in ClinVar:

ClinVar aggregate classification (germline): Conflicting classifications of pathogenicity. Review status: criteria provided, conflicting classifications (1 of 4 stars). 10 submissions from 9 submitters: Uncertain significance (7); Likely benign (2). 1 of the submissions does not count toward it. Last evaluated 2026-01-28.

Conditions:
Joubert syndrome. Also called: Familial aplasia of the vermis; JOUBERT-BOLTSHAUSER SYNDROME. Identifiers: Orphanet 475, MedGen C5979921, MONDO:0018772.
Meckel-Gruber syndrome. Also called: Dysencephalia splachnocystica; DYSENCEPHALIA SPLANCHNOCYSTICA; GRUBER SYNDROME. Identifiers: Orphanet 564, MedGen C0265215, MONDO:0018921.
Joubert syndrome 9 (JBTS9). Identifiers: Orphanet 2318, MedGen C2676788, MONDO:0012849, OMIM 612285.
CC2D2A-related disorder. Also called: CC2D2A-related disorders; CC2D2A-related condition. Identifiers: MedGen CN239313.
COACH syndrome 2. Identifiers: MedGen C5436837, MONDO:0030859, OMIM 619111.
Meckel syndrome, type 6. Identifiers: Orphanet 564, MedGen C2676790, MONDO:0012848, OMIM 612284.

Allele frequency attached by ClinVar (database versions not stated): gnomAD exomes 0.00005 and 0.00017; ESP Exome Variant Server 0.00008; ExAC 0.00039; gnomAD 0.00053 and 0.00058; TOPMed 0.00063; 1000 Genomes Project 0.00180; 1000 Genomes Project 30x 0.00265.
gnomAD v4.1: 169 of 1,606,286 alleles (0.011%); highest among the groups gnomAD compares: African/African-American, 0.17%; 1 homozygote.

Submissions (10):

Labcorp Genetics (formerly Invitae), Labcorp
Classification: Likely benign for Joubert syndrome; Meckel-Gruber syndrome. Last evaluated: 2026-01-28. Review status: criteria provided, single submitter. Criteria: Invitae Variant Classification Sherloc (09022015). Collection method: clinical testing. Allele origin: germline.

Blueprint Genetics
Classification: Likely benign. Last evaluated: 2024-10-10. Review status: criteria provided, single submitter. Criteria: ACMG Guidelines, 2015. Collection method: clinical testing. Allele origin: germline.

CeGaT Center for Human Genetics Tuebingen
Classification: Uncertain significance. Last evaluated: 2023-12-01. Review status: criteria provided, single submitter. Criteria: CeGaT Center For Human Genetics Tuebingen Variant Classification Criteria Version 2. Collection method: clinical testing. Allele origin: germline. Affected: yes. Observed: 1 variant allele.

Baylor Genetics
Classification: Uncertain significance for Joubert syndrome 9. Last evaluated: 2022-08-08. Review status: criteria provided, single submitter. Criteria: ACMG Guidelines, 2015. Collection method: clinical testing. Allele origin: unknown.

GeneDx
Classification: Uncertain significance. Last evaluated: 2021-08-13. Review status: criteria provided, single submitter. Criteria: GeneDx Variant Classification Process June 2021. Collection method: clinical testing. Allele origin: germline. Affected: yes.
Comment: In silico analysis supports that this missense variant has a deleterious effect on protein structure/function; Has not been previously published as pathogenic or benign to our knowledge

New York Genome Center
Classification: Uncertain significance for COACH syndrome 2; Joubert syndrome 9; Meckel syndrome, type 6. Last evaluated: 2021-05-14. Review status: criteria provided, single submitter. Criteria: NYGC Assertion Criteria 2020. Collection method: clinical testing. Allele origin: germline. Observed: 1 heterozygote. Study: CSER-NYCKidSeq.

Eurofins Ntd Llc (ga)
Classification: Uncertain significance. Last evaluated: 2018-02-22. Review status: criteria provided, single submitter. Criteria: EGL ClinVar v180209 classification definitions. Collection method: clinical testing. Allele origin: germline. Observed: 2 variant alleles, 2 heterozygotes.

Illumina Laboratory Services, Illumina
Classification: Uncertain significance for Joubert syndrome 9. Last evaluated: 2018-01-13. Review status: criteria provided, single submitter. Criteria: ICSL Variant Classification Criteria 13 December 2019. Collection method: clinical testing. Allele origin: germline.

Illumina Laboratory Services, Illumina
Classification: Uncertain significance for Meckel syndrome, type 6. Last evaluated: 2018-01-13. Review status: criteria provided, single submitter. Criteria: ICSL Variant Classification Criteria 13 December 2019. Collection method: clinical testing. Allele origin: germline.

PreventionGenetics, part of Exact Sciences
Classification: Likely benign for CC2D2A-related condition. Last evaluated: 2022-10-17. Review status: no assertion criteria provided. Collection method: clinical testing. Allele origin: germline. Not counted in ClinVar's aggregate classification.
Comment: This variant is classified as likely benign based on ACMG/AMP sequence variant interpretation guidelines (Richards et al. 2015 PMID: 25741868, with internal and published modifications).

NM_001378615.1(CC2D2A):c.3046G>A (p.Glu1016Lys)

Genes: CC2D2A (coiled-coil and C2 domain containing 2A; plus strand), FBXL5 (F-box and leucine rich repeat protein 5; minus strand). Cytogenetic location: 4p15.32.
Variant type: single nucleotide variant.
Coding change: c.3046G>A on transcript NM_001378615.1 (MANE Select); coding-DNA position 3046, G replaced by A.
Protein change: p.Glu1016Lys; replaces glutamic acid 1016 with lysine.
Molecular consequence: missense variant.
Genome position (GRCh38, 1-based): chr4:15,563,386, G>A. VCF-style: chr4-15563386-G-A. GRCh37 (hg19) VCF-style: chr4-15565009-G-A.
Other names: c.3046G>A, p.Glu1016Lys (NM_001080522.2); c.2899G>A, p.Glu967Lys (NM_001378617.1); short protein forms E1016K, E967K.
Identifiers: ClinVar variation 216491 (VCV000216491.46), dbSNP rs373960465, ClinGen allele CA338306.